The following is an entry in ClinVar:

ClinVar aggregate classification (germline): Uncertain significance (1 of 4 stars; one submission).

Conditions:
Familial thoracic aortic aneurysm and aortic dissection (TAAD). Also called: Thoracic aortic aneurysms and dissections. Identifiers: Orphanet 91387, MedGen C4707243, MONDO:0019625.

Submission:

Ambry Genetics
Classification: Uncertain significance for Familial thoracic aortic aneurysm and aortic dissection. Last evaluated: 2025-11-10. Review status: criteria provided, single submitter. Criteria: Ambry Variant Classification Scheme 2023. Collection method: clinical testing. Allele origin: germline.
Comment: The p.E485K variant (also known as c.1453G>A), located in coding exon 13 of the PRKG1 gene, results from a G to A substitution at nucleotide position 1453. The glutamic acid at codon 485 is replaced by lysine, an amino acid with similar properties. This amino acid position is conserved. In addition, this alteration is predicted to be deleterious by in silico analysis. Based on the available evidence, the clinical significance of this variant remains unclear.

NM_006258.4(PRKG1):c.1453G>A (p.Glu485Lys)

Gene: PRKG1 (protein kinase cGMP-dependent 1; plus strand). Cytogenetic location: 10q21.1.
Variant type: single nucleotide variant.
Coding change: c.1453G>A on transcript NM_006258.4 (MANE Select); coding-DNA position 1453, G replaced by A.
Protein change: p.Glu485Lys; replaces glutamic acid 485 with lysine.
Molecular consequence: missense variant.
Genome position (GRCh38, 1-based): chr10:52,280,838, G>A. VCF-style: chr10-52280838-G-A. GRCh37 (hg19) VCF-style: chr10-54040598-G-A.
Other names: c.1408G>A, p.Glu470Lys (NM_001098512.3); c.244G>A, p.Glu82Lys (NM_001374781.1); short protein forms E485K, E82K, E470K.
Identifiers: ClinVar variation 4635528 (VCV004635528.1).